The following is an entry in ClinVar:

ClinVar aggregate classification (germline): Likely benign. Review status: criteria provided, multiple submitters, no conflicts (2 of 4 stars). 3 submissions from 3 submitters: Likely benign (3). Last evaluated 2026-05-05.

Conditions:
Charcot-Marie-Tooth disease axonal type 2P. Also called: CHARCOT-MARIE-TOOTH NEUROPATHY, TYPE 2P; Charcot-Marie-Tooth Neuropathy Type 2G; CHARCOT-MARIE-TOOTH DISEASE, AXONAL, TYPE 2G; CMT 2G. Identifiers: Orphanet 300319, Orphanet 99941, MedGen C3280797, MONDO:0013753, OMIM 614436.
LRSAM1-related disorder. Also called: LRSAM1-related condition.

Allele frequency attached by ClinVar (database versions not stated): gnomAD exomes 0.00001 and 0.00002; ExAC 0.00004; gnomAD 0.00007; ESP Exome Variant Server 0.00008; TOPMed 0.00013; 1000 Genomes Project 0.00020; 1000 Genomes Project 30x 0.00031.
gnomAD v4.1: 25 of 1,611,646 alleles (0.0016%); highest among the groups gnomAD compares: African/African-American, 0.025%; no homozygotes.

Submissions (3):

PreventionGenetics, part of Exact Sciences
Classification: Likely benign for LRSAM1-related condition. Last evaluated: 2026-05-05. Review status: criteria provided, single submitter. Criteria: ACMG Guidelines, 2015. Collection method: clinical testing. Allele origin: germline.
Comment: This variant is classified as likely benign based on ACMG/AMP sequence variant interpretation guidelines (Richards et al. 2015 PMID: 25741868, with internal and published modifications).

Labcorp Genetics (formerly Invitae), Labcorp
Classification: Likely benign for Charcot-Marie-Tooth disease axonal type 2P. Last evaluated: 2024-09-01. Review status: criteria provided, single submitter. Criteria: Invitae Variant Classification Sherloc (09022015). Collection method: clinical testing. Allele origin: germline.

GeneDx
Classification: Likely benign. Last evaluated: 2021-04-26. Review status: criteria provided, single submitter. Criteria: GeneDx Variant Classification Process June 2021. Collection method: clinical testing. Allele origin: germline. Affected: yes.

NM_001005373.4(LRSAM1):c.339G>A (p.Arg113=)

Gene: LRSAM1 (leucine rich repeat and sterile alpha motif containing 1; plus strand). Cytogenetic location: 9q33.3.
Variant type: single nucleotide variant.
Coding change: c.339G>A on transcript NM_001005373.4 (MANE Select); coding-DNA position 339, G replaced by A.
Protein change: p.Arg113=; no amino-acid change (arginine 113 retained).
Molecular consequence: synonymous variant. On other transcripts: 5 prime UTR variant (1), non-coding transcript variant (2).
Genome position (GRCh38, 1-based): chr9:127,461,190, G>A. VCF-style: chr9-127461190-G-A. GRCh37 (hg19) VCF-style: chr9-130223469-G-A.
Other names: c.339G>A, p.Arg113= (NM_001005374.4, NM_001190723.3, NM_001384142.1 and 2 more transcripts); c.-446G>A (NM_001384144.1).
Identifiers: ClinVar variation 1317063 (VCV001317063.10), dbSNP rs146613642, ClinGen allele CA5246516.